The following is an entry in ClinVar:

NM_002734.5(PRKAR1A):c.139A>G (p.Met47Val)

Gene: PRKAR1A (protein kinase cAMP-dependent type I regulatory subunit alpha; plus strand). Cytogenetic location: 17q24.2.
Variant type: single nucleotide variant.
Coding change: c.139A>G on transcript NM_002734.5 (MANE Select); coding-DNA position 139, A replaced by G.
Protein change: p.Met47Val; replaces methionine 47 with valine.
Molecular consequence: missense variant.
Genome position (GRCh38, 1-based): chr17:68,515,538, A>G. VCF-style: chr17-68515538-A-G. GRCh37 (hg19) VCF-style: chr17-66511679-A-G.
Other names: c.139A>G, p.Met47Val (NM_001276289.2, NM_001276290.1, NM_001278433.2 and 4 more transcripts); short protein forms M47V.
Identifiers: ClinVar variation 819116 (VCV000819116.13), dbSNP rs548529083, ClinGen allele CA293327657.
Genomic context (GRCh38, chr17:68,515,538, plus strand): 5'-ATTCAAGCGCTGCTCAAAGATTCTATTGTGCAGTTGTGCACTGCTCGACCTGAGAGACCC[A>G]TGGCATTCCTCAGGGAATACTTTGAGAGGTTGGAGAAGGTAAAAATAAATGTGGGGAGAT-3'
Protein context (NP_002725.1, residues 37-57): QLCTARPERP[Met47Val]AFLREYFERL

ClinVar aggregate classification (germline): Uncertain significance. Review status: criteria provided, multiple submitters, no conflicts (2 of 4 stars). 3 submissions from 3 submitters: Uncertain significance (3). Last evaluated 2025-07-14.

Conditions:
Hereditary cancer-predisposing syndrome. Also called: Tumor predisposition; Hereditary neoplastic syndrome; Neoplastic Syndromes, Hereditary; Hereditary Cancer Syndrome. Identifiers: Orphanet 140162, MedGen C0027672, MeSH D009386, MONDO:0015356.
Carney complex, type 1 (CNC1). Also called: CARNEY COMPLEX, TYPE I; CARNEY MYXOMA-ENDOCRINE COMPLEX. Identifiers: Orphanet 1359, MedGen C2607929, MONDO:0008057, OMIM 160980.

Allele frequency attached by ClinVar (database versions not stated): gnomAD exomes 0.00001; gnomAD 0.00003; TOPMed 0.00003.
gnomAD v4.1: 14 of 1,612,852 alleles (0.00087%); highest among the groups gnomAD compares: Non-Finnish European, 0.0012%; no homozygotes.

Submissions (3):

Ambry Genetics
Classification: Uncertain significance for Hereditary cancer-predisposing syndrome. Last evaluated: 2025-07-14. Review status: criteria provided, single submitter. Criteria: Ambry Variant Classification Scheme 2023. Collection method: clinical testing. Allele origin: germline.
Comment: The p.M47V variant (also known as c.139A>G), located in coding exon 1 of the PRKAR1A gene, results from an A to G substitution at nucleotide position 139. The methionine at codon 47 is replaced by valine, an amino acid with highly similar properties. This amino acid position is highly conserved in available vertebrate species. In addition, this alteration is predicted to be deleterious by in silico analysis. Since supporting evidence is limited at this time, the clinical significance of this alteration remains unclear.

Labcorp Genetics (formerly Invitae), Labcorp
Classification: Uncertain significance for Carney complex, type 1. Last evaluated: 2025-01-17. Review status: criteria provided, single submitter. Criteria: Invitae Variant Classification Sherloc (09022015). Collection method: clinical testing. Allele origin: germline.
Comment: This sequence change replaces methionine, which is neutral and non-polar, with valine, which is neutral and non-polar, at codon 47 of the PRKAR1A protein (p.Met47Val). This variant is present in population databases (rs548529083, gnomAD 0.004%). This variant has not been reported in the literature in individuals affected with PRKAR1A-related conditions. ClinVar contains an entry for this variant (Variation ID: 819116). Invitae Evidence Modeling of protein sequence and biophysical properties (such as structural, functional, and spatial information, amino acid conservation, physicochemical variation, residue mobility, and thermodynamic stability) indicates that this missense variant is not expected to disrupt PRKAR1A protein function with a negative predictive value of 95%. In summary, the available evidence is currently insufficient to determine the role of this variant in disease. Therefore, it has been classified as a Variant of Uncertain Significance.

GeneDx
Classification: Uncertain significance. Last evaluated: 2023-07-05. Review status: criteria provided, single submitter. Criteria: GeneDx Variant Classification Process June 2021. Collection method: clinical testing. Allele origin: germline. Affected: yes.
Comment: Not observed at significant frequency in large population cohorts (gnomAD); In silico analysis supports that this missense variant does not alter protein structure/function; Has not been previously published as pathogenic or benign to our knowledge; This variant is associated with the following publications: (PMID: 24363928)